The following is an entry in ClinVar:

ClinVar aggregate classification (germline): Uncertain significance (1 of 4 stars; one submission).

Submission:

GeneDx
Classification: Uncertain significance. Last evaluated: 2023-07-28. Review status: criteria provided, single submitter. Criteria: GeneDx Variant Classification Process June 2021. Collection method: clinical testing. Allele origin: germline. Affected: yes.
Comment: Not observed at significant frequency in large population cohorts (gnomAD); In silico analysis supports that this missense variant does not alter protein structure/function; Has not been previously published as pathogenic or benign to our knowledge; Occurs in the triple helical domain at the X position in the canonical Gly-X-Y repeat; although this variant may have an effect on normal protein folding and function, missense substitution at the X position is not a common mechanism of disease (HGMD)

NM_000088.4(COL1A1):c.2788C>T (p.Pro930Ser)

Gene: COL1A1 (collagen type I alpha 1 chain; minus strand). Cytogenetic location: 17q21.33.
Variant type: single nucleotide variant.
Coding change: c.2788C>T on transcript NM_000088.4 (MANE Select); coding-DNA position 2788, C replaced by T.
Protein change: p.Pro930Ser; replaces proline 930 with serine.
Molecular consequence: missense variant.
Genome position (GRCh38, 1-based): chr17:50,189,418, G>A on the plus strand (C>T on the coding strand, the complement: COL1A1 is on the minus strand). VCF-style: chr17-50189418-G-A. GRCh37 (hg19) VCF-style: chr17-48266779-G-A.
Other names: short protein forms P930S.
Identifiers: ClinVar variation 3361683 (VCV003361683.1).